The following is an entry in ClinVar:

NM_004415.4(DSP):c.4371G>C (p.Met1457Ile)

Gene: DSP (desmoplakin; plus strand). Cytogenetic location: 6p24.3.
Variant type: single nucleotide variant.
Coding change: c.4371G>C on transcript NM_004415.4 (MANE Select); coding-DNA position 4371, G replaced by C.
Protein change: p.Met1457Ile; replaces methionine 1457 with isoleucine.
Molecular consequence: missense variant. On other transcripts: intron variant (2).
Genome position (GRCh38, 1-based): chr6:7,580,561, G>C. VCF-style: chr6-7580561-G-C. GRCh37 (hg19) VCF-style: chr6-7580794-G-C.
Other names: c.4050+321G>C (NM_001319034.2); c.3582+789G>C (NM_001008844.3); short protein forms M1457I.
Identifiers: ClinVar variation 842858 (VCV000842858.10), dbSNP rs1169630255, ClinGen allele CA362686163.

ClinVar aggregate classification (germline): Uncertain significance (1 of 4 stars; one submission).

Conditions:
Arrhythmogenic cardiomyopathy with wooly hair and keratoderma. Also called: Carvajal syndrome; Dilated cardiomyopathy with woolly hair and keratoderma; Arrhythmogenic cardiomyopathy with woolly hair and keratoderma; PALMOPLANTAR KERATODERMA WITH LEFT VENTRICULAR CARDIOMYOPATHY AND WOOLLY HAIR. Identifiers: Orphanet 65282, MedGen C1854063, MONDO:0011581, OMIM 605676.
Arrhythmogenic right ventricular dysplasia 8 (ARVD8). Also called: Arrhythmogenic Right Ventricular Dysplasia/Cardiomyopathy 8; ARRHYTHMOGENIC RIGHT VENTRICULAR CARDIOMYOPATHY 8; ARRHYTHMOGENIC RIGHT VENTRICULAR DYSPLASIA, FAMILIAL, 8. Identifiers: MedGen C1843896, MONDO:0011831, OMIM 607450.

Allele frequency attached by ClinVar (database versions not stated): TOPMed 0.00001.

Submission:

Labcorp Genetics (formerly Invitae), Labcorp
Classification: Uncertain significance for Arrhythmogenic cardiomyopathy with wooly hair and keratoderma; Arrhythmogenic right ventricular dysplasia 8. Last evaluated: 2019-11-18. Review status: criteria provided, single submitter. Criteria: Invitae Variant Classification Sherloc (09022015). Collection method: clinical testing. Allele origin: germline.
Comment: This variant is not present in population databases (ExAC no frequency). This sequence change replaces methionine with isoleucine at codon 1457 of the DSP protein (p.Met1457Ile). The methionine residue is moderately conserved and there is a small physicochemical difference between methionine and isoleucine. This variant has not been reported in the literature in individuals with DSP-related conditions. In summary, the available evidence is currently insufficient to determine the role of this variant in disease. Therefore, it has been classified as a Variant of Uncertain Significance. Algorithms developed to predict the effect of missense changes on protein structure and function output the following: SIFT: "Tolerated"; PolyPhen-2: "Benign"; Align-GVGD: "Class C0". The isoleucine amino acid residue is found in multiple mammalian species, suggesting that this missense change does not adversely affect protein function. These predictions have not been confirmed by published functional studies and their clinical significance is uncertain.